The following is an entry in ClinVar:

NM_000081.4(LYST):c.4588A>G (p.Arg1530Gly)

Gene: LYST (lysosomal trafficking regulator; minus strand). Cytogenetic location: 1q42.3.
Variant type: single nucleotide variant.
Coding change: c.4588A>G on transcript NM_000081.4 (MANE Select); coding-DNA position 4588, A replaced by G.
Protein change: p.Arg1530Gly; replaces arginine 1530 with glycine.
Molecular consequence: missense variant.
Genome position (GRCh38, 1-based): chr1:235,788,801, T>C on the plus strand (A>G on the coding strand, the complement: LYST is on the minus strand). VCF-style: chr1-235788801-T-C. GRCh37 (hg19) VCF-style: chr1-235952101-T-C.
Other names: c.4588A>G, p.Arg1530Gly (NM_001301365.1); short protein forms R1530G.
Identifiers: ClinVar variation 1497152 (VCV001497152.5), dbSNP rs759276899, ClinGen allele CA1466796.

ClinVar aggregate classification (germline): Uncertain significance (1 of 4 stars; one submission).

Conditions:
Chédiak-Higashi syndrome (CHS). Also called: Chediak-Higashi Syndrome. Identifiers: Orphanet 167, MedGen C0007965, MONDO:0008963, OMIM 214500.

Allele frequency attached by ClinVar (database versions not stated): gnomAD 0.00001; gnomAD exomes 0.00001; ExAC 0.00004.
gnomAD v4.1: 21 of 1,613,530 alleles (0.0013%); highest among the groups gnomAD compares: South Asian, 0.022%; no homozygotes.

Submission:

Labcorp Genetics (formerly Invitae), Labcorp
Classification: Uncertain significance for Chédiak-Higashi syndrome. Last evaluated: 2025-01-15. Review status: criteria provided, single submitter. Criteria: Invitae Variant Classification Sherloc (09022015). Collection method: clinical testing. Allele origin: germline.
Comment: This sequence change replaces arginine, which is basic and polar, with glycine, which is neutral and non-polar, at codon 1530 of the LYST protein (p.Arg1530Gly). This variant is present in population databases (rs759276899, gnomAD 0.03%). This variant has not been reported in the literature in individuals affected with LYST-related conditions. ClinVar contains an entry for this variant (Variation ID: 1497152). Invitae Evidence Modeling of protein sequence and biophysical properties (such as structural, functional, and spatial information, amino acid conservation, physicochemical variation, residue mobility, and thermodynamic stability) indicates that this missense variant is not expected to disrupt LYST protein function with a negative predictive value of 80%. In summary, the available evidence is currently insufficient to determine the role of this variant in disease. Therefore, it has been classified as a Variant of Uncertain Significance.